The following is an entry in ClinVar:

NM_000540.3(RYR1):c.5064A>G (p.Val1688=)

Gene: RYR1 (ryanodine receptor 1; plus strand). Cytogenetic location: 19q13.2.
Variant type: single nucleotide variant.
Coding change: c.5064A>G on transcript NM_000540.3 (MANE Select); coding-DNA position 5064, A replaced by G.
Protein change: p.Val1688=; no amino-acid change (valine 1688 retained).
Molecular consequence: synonymous variant.
Genome position (GRCh38, 1-based): chr19:38,485,719, A>G. VCF-style: chr19-38485719-A-G. GRCh37 (hg19) VCF-style: chr19-38976359-A-G.
Other names: c.5064A>G, p.Val1688= (NM_001042723.2).
Identifiers: ClinVar variation 3074682 (VCV003074682.1), dbSNP rs373673924, ClinGen allele CA507238631.
Genomic context (GRCh38, chr19:38,485,719, plus strand): 5'-CTACCGCGCTGTGTGCGCCCTGGGCAACAATCGCGTGGCGCACGCTCTGTGCAGCCACGT[A>G]GACCAAGCTCAGCTGCTGCACGCCCTGGAGGACGCGCACCTGCCAGGCCCACTGCGCGCA-3'
Protein context (NP_000531.2, residues 1678-1698): NRVAHALCSH[Val1688=]DQAQLLHALE

ClinVar aggregate classification (germline): Likely benign (1 of 4 stars; one submission).

Conditions:
Malignant hyperthermia, susceptibility to, 1 (MHS1). Also called: Anesthesia related hyperthermia; Malignant hyperpyrexia; Fulminating hyperpyrexia; Pharmacogenic myopathy; RYR1-Related Malignant Hyperthermia Susceptibility; Malignant hyperthermia suceptibility 1. Identifiers: Orphanet 423, MedGen C2930980, MONDO:0007783, OMIM 145600.

Submission:

All of Us Research Program, National Institutes of Health
Classification: Likely benign for Malignant hyperthermia, susceptibility to, 1. Last evaluated: 2023-11-20. Review status: criteria provided, single submitter. Criteria: ACMG Guidelines, 2015. Collection method: clinical testing. Allele origin: germline. Inheritance: Autosomal dominant inheritance. Observed: 1 variant allele, 1 heterozygote.
Comment: This study involves interpretation of variants in research participants for the purpose of population health screening. Participant phenotype was not available at the time of variant classification. Additional details can be found in publication PMID: 35346344, PMCID: PMC8962531